The following is an entry in ClinVar:

NM_133259.4(LRPPRC):c.2406_2407del (p.Glu803fs)

Gene: LRPPRC (leucine rich pentatricopeptide repeat containing; minus strand). Cytogenetic location: 2p21.
Variant type: Deletion.
Coding change: c.2406_2407del on transcript NM_133259.4 (MANE Select); coding-DNA positions 2406 to 2407, 2 bases deleted (TG; older notation c.2406_2407delTG).
Protein change: p.Glu803fs; shifts the reading frame from glutamic acid 803.
Molecular consequence: frameshift variant.
Genome position (GRCh38, 1-based): chr2:43,943,784-43,943,785, CA deleted on the plus strand (TG on the coding strand, the reverse complement: LRPPRC is on the minus strand). VCF-style (leftmost placement, unchanged base first): chr2-43943783-TCA-T. GRCh37 (hg19) VCF-style: chr2-44170922-TCA-T.
Other names: short protein forms E803fs.
Identifiers: ClinVar variation 1726693 (VCV001726693.2), dbSNP rs2466555474, ClinGen allele CA2580066495.

ClinVar aggregate classification (germline): Likely pathogenic (1 of 4 stars; one submission).

Conditions:
Congenital lactic acidosis, Saguenay-Lac-Saint-Jean type (MC4DN5). Also called: CYTOCHROME c OXIDASE DEFICIENCY, FRENCH CANADIAN TYPE; COX DEFICIENCY, FRENCH CANADIAN TYPE; MITOCHONDRIAL COMPLEX IV DEFICIENCY, NUCLEAR TYPE 5. Identifiers: Orphanet 70472, MedGen C1857355, MONDO:0009069, OMIM 220111.

Submission:

Myriad Genetics, Inc.
Classification: Likely pathogenic for Congenital lactic acidosis, Saguenay-Lac-Saint-Jean type. Last evaluated: 2021-12-30. Review status: criteria provided, single submitter. Criteria: Myriad Women's Health Autosomal Recessive and X-Linked Classification Criteria (2021). Collection method: clinical testing. Allele origin: unknown.
Comment: NM_133259.3(LRPPRC):c.2406_2407delTG(E803Nfs*7) is expected to be pathogenic in the context of Leigh syndrome, French-Canadian type. This variant is predicted to lead to an abnormal or absent protein product due to the creation of a premature termination codon in LRPPRC, a gene where loss-of-function variants are known to be pathogenic. Please note: this variant was assessed in the context of healthy population screening.